The following is an entry in ClinVar:

ClinVar aggregate classification (germline): Conflicting classifications of pathogenicity. Review status: criteria provided, conflicting classifications (1 of 4 stars). 6 submissions from 6 submitters: Uncertain significance (1); Likely benign (4). 1 of the submissions does not count toward it. Last evaluated 2026-01-03.

Conditions:
FLNB-related disorder. Also called: FLNB-related disorders; FLNB-related condition. Identifiers: MedGen CN381095.
FLNB-Related Spectrum Disorders.
Inborn genetic diseases. Identifiers: MedGen C0950123, MeSH D030342.

Allele frequency attached by ClinVar (database versions not stated): 1000 Genomes Project 30x 0.00109; gnomAD 0.00117 and 0.00107; ESP Exome Variant Server 0.00138; TOPMed 0.00159; gnomAD exomes 0.00014 and 0.00032; ExAC 0.00042; 1000 Genomes Project 0.00080.
gnomAD v4.1: 362 of 1,613,870 alleles (0.022%); highest among the groups gnomAD compares: African/African-American, 0.42%; no homozygotes.

Submissions (6):

Labcorp Genetics (formerly Invitae), Labcorp
Classification: Likely benign. Last evaluated: 2026-01-03. Review status: criteria provided, single submitter. Criteria: Invitae Variant Classification Sherloc (09022015). Collection method: clinical testing. Allele origin: germline.

Ambry Genetics
Classification: Likely benign for Inborn genetic diseases. Last evaluated: 2023-10-13. Review status: criteria provided, single submitter. Criteria: Ambry Variant Classification Scheme 2023. Collection method: clinical testing. Allele origin: germline.

GeneDx
Classification: Likely benign. Last evaluated: 2020-12-02. Review status: criteria provided, single submitter. Criteria: GeneDx Variant Classification Process June 2021. Collection method: clinical testing. Allele origin: germline. Affected: yes.

Illumina Laboratory Services, Illumina
Classification: Likely benign for FLNB-Related Spectrum Disorders. Last evaluated: 2018-01-12. Review status: criteria provided, single submitter. Criteria: ICSL Variant Classification Criteria 13 December 2019. Collection method: clinical testing. Allele origin: germline.
Comment: This variant was observed in the ICSL laboratory as part of a predisposition screen in an ostensibly healthy population. It had not been previously curated by ICSL or reported in the Human Gene Mutation Database (HGMD: prior to June 1st, 2018), and was therefore a candidate for classification through an automated scoring system. Utilizing variant allele frequency, disease prevalence and penetrance estimates, and inheritance mode, an automated score was calculated to assess if this variant is too frequent to cause the disease. Based on the score and internal cut-off values, a variant classified as likely benign is not then subjected to further curation. The score for this variant resulted in a classification of likely benign for this disease.

Eurofins Ntd Llc (ga)
Classification: Uncertain significance. Last evaluated: 2015-07-28. Review status: criteria provided, single submitter. Criteria: EGL Classification Definitions 2015. Collection method: clinical testing. Allele origin: germline. Observed: 1 variant allele, 1 heterozygote.

PreventionGenetics, part of Exact Sciences
Classification: Likely benign for FLNB-related condition. Last evaluated: 2023-04-24. Review status: no assertion criteria provided. Collection method: clinical testing. Allele origin: germline. Not counted in ClinVar's aggregate classification.
Comment: This variant is classified as likely benign based on ACMG/AMP sequence variant interpretation guidelines (Richards et al. 2015 PMID: 25741868, with internal and published modifications).

NM_001457.4(FLNB):c.6047G>A (p.Arg2016Gln)

Gene: FLNB (filamin B; plus strand). Cytogenetic location: 3p14.3.
Variant type: single nucleotide variant.
Coding change: c.6047G>A on transcript NM_001457.4 (MANE Select); coding-DNA position 6047, G replaced by A.
Protein change: p.Arg2016Gln; replaces arginine 2016 with glutamine.
Molecular consequence: missense variant.
Genome position (GRCh38, 1-based): chr3:58,148,808, G>A. VCF-style: chr3-58148808-G-A. GRCh37 (hg19) VCF-style: chr3-58134535-G-A.
Other names: c.5975G>A, p.Arg1992Gln (NM_001164319.2); c.6014G>A, p.Arg2005Gln (NM_001164318.2); c.6140G>A, p.Arg2047Gln (NM_001164317.2); short protein forms R2016Q, R1992Q, R2047Q, R2005Q.
Identifiers: ClinVar variation 281765 (VCV000281765.24), dbSNP rs137885421, ClinGen allele CA2469232.